The following is an entry in ClinVar:

NC_000011.10:g.(?_108334963)_(108354880_?)del

Genes: ATM (ATM serine/threonine kinase; plus strand), C11orf65 (chromosome 11 open reading frame 65; minus strand), LOC129390354 (MPRA-validated peak1451 silencer; plus strand). Cytogenetic location: 11q22.3.
Variant type: Deletion.
Identifiers: ClinVar variation 583780 (VCV000583780.2).

ClinVar aggregate classification (germline): Likely pathogenic (1 of 4 stars; one submission).

Conditions:
Ataxia-telangiectasia syndrome (AT). Also called: Ataxia-telangiectasia, complementation group D; AT, COMPLEMENTATION GROUP C; Ataxia-telangiectasia, complementation group E; Cerebello-oculocutaneous telangiectasia; Immunodeficiency with ataxia telangiectasia; ATAXIA-TELANGIECTASIA, COMPLEMENTATION GROUP A. Identifiers: Orphanet 100, MedGen C0004135, MONDO:0008840, OMIM 208900.

Submission:

Labcorp Genetics (formerly Invitae), Labcorp
Classification: Likely pathogenic for Ataxia-telangiectasia syndrome. Last evaluated: 2019-12-09. Review status: criteria provided, single submitter. Criteria: Invitae Variant Classification Sherloc (09022015). Collection method: clinical testing. Allele origin: germline.
Comment: This variant is an in-frame deletion of the genomic region encompassing exons 55-61 of the ATM gene. It preserves the integrity of the reading frame. This variant has not been reported in the literature in individuals with ATM-related disease. This variant disrupts the p.Arg2832Cys amino acid residue in ATM. Other variant(s) that disrupt this residue have been determined to be pathogenic (PMID: 9443866, 10817650, 10873394, 18634022, 12552559). This suggests that this residue is clinically significant, and that variants that disrupt this residue are likely to be disease-causing. In summary, the currently available evidence indicates that the variant is pathogenic, but additional data are needed to prove that conclusively. Therefore, this variant has been classified as Likely Pathogenic.

Literature cited by the submitters: PubMed 10873394; PubMed 9443866; PubMed 10817650; PubMed 12552559; PubMed 18634022.